The following is an entry in ClinVar:

NM_001367624.2(ZNF469):c.11756_11757inv (p.Pro3919Leu)

Gene: ZNF469 (zinc finger protein 469; plus strand). Cytogenetic location: 16q24.2.
Variant type: Inversion.
Coding change: c.11756_11757inv on transcript NM_001367624.2 (MANE Select).
Protein change: p.Pro3919Leu; replaces proline 3919 with leucine.
Molecular consequence: missense variant.
Genome position: GRCh38 VCF-style: chr16-88439226-CA-TG. GRCh37 (hg19) VCF-style: chr16-88505634-CA-TG.
Other names: NM_001127464.1:c.11672_11673delCAinsTG; short protein forms P3919L.
Identifiers: ClinVar variation 1919716 (VCV001919716.4), ClinGen allele CA2580092243.

ClinVar aggregate classification (germline): Uncertain significance. Review status: criteria provided, multiple submitters, no conflicts (2 of 4 stars). 2 submissions from 2 submitters: Uncertain significance (2). Last evaluated 2023-06-05.

Conditions:
Cardiovascular phenotype. Identifiers: MedGen CN230736.

Submissions (2):

Ambry Genetics
Classification: Uncertain significance for Cardiovascular phenotype. Last evaluated: 2023-06-05. Review status: criteria provided, single submitter. Criteria: Ambry Variant Classification Scheme 2023. Collection method: clinical testing. Allele origin: germline.
Comment: The c.11672_11673delCAinsTG variant (also known as p.P3891L), located in coding exon 2 of the ZNF469 gene, results from an in-frame deletion of CA and insertion of TG at nucleotide positions 11672 to 11673. This results in the substitution of the proline residue for a leucine residue at codon 3891, an amino acid with similar properties. This amino acid position is not well conserved in available vertebrate species. In addition, this alteration is predicted to be neutral by in silico analysis (Choi Y et al. PLoS ONE. 2012; 7(10):e46688). Since supporting evidence is limited at this time, the clinical significance of this alteration remains unclear.

Labcorp Genetics (formerly Invitae), Labcorp
Classification: Uncertain significance. Last evaluated: 2022-05-09. Review status: criteria provided, single submitter. Criteria: Invitae Variant Classification Sherloc (09022015). Collection method: clinical testing. Allele origin: germline.
Comment: This sequence change replaces proline, which is neutral and non-polar, with leucine, which is neutral and non-polar, at codon 3891 of the ZNF469 protein (p.Pro3891Leu). The frequency data for this variant in the population databases is considered unreliable, as metrics indicate poor data quality at this position in the gnomAD database. This variant has not been reported in the literature in individuals affected with ZNF469-related conditions. Algorithms developed to predict the effect of missense changes on protein structure and function are either unavailable or do not agree on the potential impact of this missense change (SIFT: "Not Available"; PolyPhen-2: "Benign"; Align-GVGD: "Not Available"). In summary, the available evidence is currently insufficient to determine the role of this variant in disease. Therefore, it has been classified as a Variant of Uncertain Significance.